The following is an entry in ClinVar:

NM_003579.4(RAD54L):c.1709T>G (p.Met570Arg)

Gene: RAD54L (RAD54 like; plus strand). Cytogenetic location: 1p34.1.
Variant type: single nucleotide variant.
Coding change: c.1709T>G on transcript NM_003579.4 (MANE Select); coding-DNA position 1709, T replaced by G.
Protein change: p.Met570Arg; replaces methionine 570 with arginine.
Molecular consequence: missense variant.
Genome position (GRCh38, 1-based): chr1:46,274,557, T>G. VCF-style: chr1-46274557-T-G. GRCh37 (hg19) VCF-style: chr1-46740229-T-G.
Other names: c.1709T>G, p.Met570Arg (NM_001142548.2); c.1169T>G, p.Met390Arg (NM_001370766.1); short protein forms M390R, M570R.
Identifiers: ClinVar variation 3223417 (VCV003223417.1), dbSNP rs748707072, ClinGen allele CA834706.

ClinVar aggregate classification (germline): Uncertain significance (1 of 4 stars; one submission).

Allele frequency attached by ClinVar (database versions not stated): gnomAD exomes 0.00001; ExAC 0.00003.
gnomAD v4.1: 8 of 1,613,144 alleles (0.0005%); highest among the groups gnomAD compares: Non-Finnish European, 0.00059%; no homozygotes.

Submission:

Ambry Genetics
Classification: Uncertain significance. Last evaluated: 2023-12-08. Review status: criteria provided, single submitter. Criteria: Ambry Variant Classification Scheme 2023. Collection method: clinical testing. Allele origin: germline.
Comment: The p.M570R variant (also known as c.1709T>G), located in coding exon 16 of the RAD54L gene, results from a T to G substitution at nucleotide position 1709. The methionine at codon 570 is replaced by arginine, an amino acid with similar properties. This amino acid position is conserved. In addition, this alteration is predicted to be deleterious by in silico analysis. Since supporting evidence is limited at this time, the clinical significance of this alteration remains unclear.